The following is an entry in ClinVar:

NM_001378418.1(TCF20):c.163_168del (p.51SG[2])

Gene: TCF20 (transcription factor 20; minus strand). Cytogenetic location: 22q13.2.
Variant type: Deletion.
Coding change: c.163_168del on transcript NM_001378418.1 (MANE Select); coding-DNA positions 163 to 168, 6 bases deleted (AGTGGT; older notation c.163_168delAGTGGT).
Protein change: p.51SG[2].
Genome position (GRCh38, 1-based): chr22:42,215,138-42,215,143, ACCACT deleted on the plus strand (AGTGGT on the coding strand, the reverse complement: TCF20 is on the minus strand). VCF-style (leftmost placement, unchanged base first): chr22-42215137-CACCACT-C. GRCh37 (hg19) VCF-style: chr22-42611143-CACCACT-C.
Other names: c.163_168delAGTGGT (NM_005650.4); c.163_168del, p.51SG[2] (NM_005650.4, NM_181492.3).
Identifiers: ClinVar variation 4536968 (VCV004536968.1).

ClinVar aggregate classification (germline): Likely benign (1 of 4 stars; one submission).

Submission:

Women's Health and Genetics/Laboratory Corporation of America, LabCorp
Classification: Likely benign. Last evaluated: 2025-11-07. Review status: criteria provided, single submitter. Criteria: LabCorp Variant Classification Summary - May 2015. Collection method: clinical testing. Allele origin: germline.
Comment: Variant summary: TCF20 c.163_168delAGTGGT (p.Ser55_Gly56del) results in an in-frame deletion that is predicted to remove two amino acids from the encoded protein. The variant allele was not found in gnomAD. However, another variant allele with the same codon effect (c.162_167delCAGTGG, p.Ser55_Gly56del) was found at a frequency of 0.0015 in 280990 control chromosomes in the gnomAD database, including 2 homozygotes. The observed variant frequency exceeds the estimated maximal expected allele frequency for disease-causing variants in TCF20. To our knowledge, no occurrence of c.163_168delAGTGGT in individuals affected with TCF20-related conditions and no experimental evidence demonstrating its impact on protein function have been reported. No submitters have cited clinical-significance assessments for this variant to ClinVar. Based on the evidence outlined above, the variant was classified as likely benign.